The following is an entry in ClinVar:

ClinVar aggregate classification (germline): Uncertain significance. Review status: criteria provided, multiple submitters, no conflicts (2 of 4 stars). 2 submissions from 2 submitters: Uncertain significance (2). Last evaluated 2026-03-12.

Conditions:
Cardiovascular phenotype. Identifiers: MedGen CN230736.
Ehlers-Danlos syndrome, classic type, 1 (EDSCL1). Also called: EHLERS-DANLOS SYNDROME, GRAVIS TYPE; EHLERS-DANLOS SYNDROME, SEVERE CLASSIC TYPE; Ehlers-Danlos syndrome, type 1; EDS I; Ehlers-Danlos Syndrome, Classic Type, COL5A1-Related. Identifiers: MedGen C0268335, MONDO:0019567, OMIM 130000.
Osteogenesis imperfecta type I (OI1). Also called: OI, TYPE I; OSTEOGENESIS IMPERFECTA TARDA; OSTEOGENESIS IMPERFECTA WITH BLUE SCLERAE; Osteogenesis imperfecta type 1; Lobstein's Disease; Lobstein disease. Identifiers: Orphanet 216796, Orphanet 666, MedGen C0023931, MONDO:0008146, OMIM 166200. Disease mechanism: loss of function.

Allele frequency attached by ClinVar (database versions not stated): gnomAD exomes 0.00002; ExAC 0.00002.
gnomAD v4.1: 10 of 1,613,966 alleles (0.00062%); highest among the groups gnomAD compares: East Asian, 0.02%; no homozygotes.

Submissions (2):

Ambry Genetics
Classification: Uncertain significance for Cardiovascular phenotype. Last evaluated: 2026-03-12. Review status: criteria provided, single submitter. Criteria: Ambry Variant Classification Scheme 2023. Collection method: clinical testing. Allele origin: germline.

Labcorp Genetics (formerly Invitae), Labcorp
Classification: Uncertain significance for Osteogenesis imperfecta type I; Ehlers-Danlos syndrome, classic type, 1. Last evaluated: 2022-05-06. Review status: criteria provided, single submitter. Criteria: Invitae Variant Classification Sherloc (09022015). Collection method: clinical testing. Allele origin: germline.
Comment: Advanced modeling of protein sequence and biophysical properties (such as structural, functional, and spatial information, amino acid conservation, physicochemical variation, residue mobility, and thermodynamic stability) performed at Invitae indicates that this missense variant is not expected to disrupt COL1A2 protein function. This sequence change replaces isoleucine, which is neutral and non-polar, with threonine, which is neutral and polar, at codon 473 of the COL1A2 protein (p.Ile473Thr). This variant is present in population databases (rs763967575, gnomAD 0.02%). This variant has not been reported in the literature in individuals affected with COL1A2-related conditions. In summary, the available evidence is currently insufficient to determine the role of this variant in disease. Therefore, it has been classified as a Variant of Uncertain Significance.

NM_000089.4(COL1A2):c.1418T>C (p.Ile473Thr)

Gene: COL1A2 (collagen type I alpha 2 chain; plus strand). Cytogenetic location: 7q21.3.
Variant type: single nucleotide variant.
Coding change: c.1418T>C on transcript NM_000089.4 (MANE Select); coding-DNA position 1418, T replaced by C.
Protein change: p.Ile473Thr; replaces isoleucine 473 with threonine.
Molecular consequence: missense variant.
Genome position (GRCh38, 1-based): chr7:94,412,597, T>C. VCF-style: chr7-94412597-T-C. GRCh37 (hg19) VCF-style: chr7-94041909-T-C.
Other names: short protein forms I473T.
Identifiers: ClinVar variation 1983242 (VCV001983242.5), dbSNP rs763967575, ClinGen allele CA4347052.